The following is an entry in ClinVar:

ClinVar aggregate classification (germline): Uncertain significance. Review status: criteria provided, multiple submitters, no conflicts (2 of 4 stars). 3 submissions from 3 submitters: Uncertain significance (3). Last evaluated 2025-07-29.

Conditions:
Inborn genetic diseases. Identifiers: MedGen C0950123, MeSH D030342.
Perlman syndrome (PRLMNS). Identifiers: Orphanet 2849, MedGen C0796113, MONDO:0009965, OMIM 267000.

Allele frequency attached by ClinVar (database versions not stated): gnomAD exomes below 0.00001 and 0.00001; gnomAD 0.00001; TOPMed 0.00002.
gnomAD v4.1: 10 of 1,612,752 alleles (0.00062%); highest among the groups gnomAD compares: African/African-American, 0.0053%; no homozygotes.

Submissions (3):

Labcorp Genetics (formerly Invitae), Labcorp
Classification: Uncertain significance for Perlman syndrome. Last evaluated: 2025-07-29. Review status: criteria provided, single submitter. Criteria: Invitae Variant Classification Sherloc (09022015). Collection method: clinical testing. Allele origin: germline.
Comment: This sequence change replaces alanine, which is neutral and non-polar, with threonine, which is neutral and polar, at codon 690 of the DIS3L2 protein (p.Ala690Thr). This variant is present in population databases (no rsID available, gnomAD 0.01%). This variant has not been reported in the literature in individuals affected with DIS3L2-related conditions. ClinVar contains an entry for this variant (Variation ID: 531950). Invitae Evidence Modeling of protein sequence and biophysical properties (such as structural, functional, and spatial information, amino acid conservation, physicochemical variation, residue mobility, and thermodynamic stability) has been performed for this missense variant. However, the output from this modeling did not meet the statistical confidence thresholds required to predict the impact of this variant on DIS3L2 protein function. In summary, the available evidence is currently insufficient to determine the role of this variant in disease. Therefore, it has been classified as a Variant of Uncertain Significance.

Fulgent Genetics
Classification: Uncertain significance for Perlman syndrome. Last evaluated: 2024-02-29. Review status: criteria provided, single submitter. Criteria: ACMG Guidelines, 2015. Collection method: clinical testing. Allele origin: germline.

Ambry Genetics
Classification: Uncertain significance for Inborn genetic diseases. Last evaluated: 2021-07-06. Review status: criteria provided, single submitter. Criteria: Ambry Variant Classification Scheme 2023. Collection method: clinical testing. Allele origin: germline.

NM_152383.5(DIS3L2):c.2068G>A (p.Ala690Thr)

Gene: DIS3L2 (DIS3 like 3'-5' exoribonuclease 2; plus strand). Cytogenetic location: 2q37.1.
Variant type: single nucleotide variant.
Coding change: c.2068G>A on transcript NM_152383.5 (MANE Select); coding-DNA position 2068, G replaced by A.
Protein change: p.Ala690Thr; replaces alanine 690 with threonine.
Molecular consequence: missense variant. On other transcripts: non-coding transcript variant (2), intron variant (1).
Genome position (GRCh38, 1-based): chr2:232,333,897, G>A. VCF-style: chr2-232333897-G-A. GRCh37 (hg19) VCF-style: chr2-233198607-G-A.
Other names: c.1582-9448G>A (NM_001257281.2); short protein forms A690T.
Identifiers: ClinVar variation 531950 (VCV000531950.11), dbSNP rs916866725, ClinGen allele CA66929458.